The following is an entry in ClinVar:

ClinVar aggregate classification (germline): Likely pathogenic (1 of 4 stars; one submission).

Submission:

GeneDx
Classification: Likely pathogenic. Last evaluated: 2017-03-17. Review status: criteria provided, single submitter. Criteria: GeneDx Variant Classification (06012015). Collection method: clinical testing. Allele origin: germline. Affected: yes.
Comment: The C1374F variant in the NOTCH1 gene has not been reported previously as a pathogenic variant, nor as a benign variant, to our knowledge. The C1374F variant is not observed in large population cohorts (Lek et al., 2016; 1000 Genomes Consortium et al., 2015; Exome Variant Server). The C1374F variant is a non-conservative amino acid substitution, which occurs at a position that is conserved across species. In silico analysis predicts this variant is probably damaging to the protein structure/function. The C1374F variant is a strong candidate for a pathogenic variant,

NM_017617.5(NOTCH1):c.4121G>T (p.Cys1374Phe)

Gene: NOTCH1 (notch receptor 1; minus strand). Cytogenetic location: 9q34.3.
Variant type: single nucleotide variant.
Coding change: c.4121G>T on transcript NM_017617.5 (MANE Select); coding-DNA position 4121, G replaced by T.
Protein change: p.Cys1374Phe; replaces cysteine 1374 with phenylalanine.
Molecular consequence: missense variant.
Genome position (GRCh38, 1-based): chr9:136,505,775, C>A on the plus strand (G>T on the coding strand, the complement: NOTCH1 is on the minus strand). VCF-style: chr9-136505775-C-A. GRCh37 (hg19) VCF-style: chr9-139400227-C-A.
Other names: c.4121G>T, p.Cys1374Phe (LRG_1122t1); short protein forms C1374F.
Identifiers: ClinVar variation 424223 (VCV000424223.2), dbSNP rs1064796867, ClinGen allele CA16618802.
Genomic context (GRCh38, chr9:136,505,775, plus strand): 5'-CCGCCCAGGCAGGGGCTGCTGGCCGGGAACTGGCATTCGGGGCCCGTGAAGGGGCCCAGG[C>A]ACAGGCAGGTGGGGCTGCGCGGGCCGGAGATGCATGTGCCGCCGTTGAGGCAGCGCAGGC-3'
Protein context (NP_060087.3, residues 1364-1384): ISGPRSPTCL[Cys1374Phe]LGPFTGPECQ